The following is an entry in ClinVar:

ClinVar aggregate classification (germline): Uncertain significance (1 of 4 stars; one submission).

Submission:

Labcorp Genetics (formerly Invitae), Labcorp
Classification: Uncertain significance. Last evaluated: 2024-10-22. Review status: criteria provided, single submitter. Criteria: Invitae Variant Classification Sherloc (09022015). Collection method: clinical testing. Allele origin: germline.
Comment: This sequence change creates a premature translational stop signal (p.Pro20Argfs*7) in the MCM4 gene. It is expected to result in an absent or disrupted protein product. However, the current clinical and genetic evidence is not sufficient to establish whether loss-of-function variants in MCM4 cause disease. This variant is not present in population databases (gnomAD no frequency). This variant has not been reported in the literature in individuals affected with MCM4-related conditions. In summary, the available evidence is currently insufficient to determine the role of this variant in disease. Therefore, it has been classified as a Variant of Uncertain Significance.

NM_182746.3(MCM4):c.59_60del (p.Pro20fs)

Genes: MCM4 (minichromosome maintenance complex component 4; plus strand), LOC130000338 (ATAC-STARR-seq lymphoblastoid silent region 19178; plus strand). Cytogenetic location: 8q11.21.
Variant type: Deletion.
Coding change: c.59_60del on transcript NM_182746.3 (MANE Select); coding-DNA positions 59 to 60, 2 bases deleted (CC; older notation c.59_60delCC).
Protein change: p.Pro20fs; shifts the reading frame from proline 20.
Molecular consequence: frameshift variant.
Genome position (GRCh38, 1-based): chr8:47,961,203-47,961,204, CC deleted; deleting any 2 consecutive bases within chr8:47,961,200-47,961,204 gives the same sequence; the c. name uses the placement nearest the transcript's 3' end. VCF-style (leftmost placement, unchanged base first): chr8-47961199-ACC-A. GRCh37 (hg19) VCF-style: chr8-48873759-ACC-A.
Other names: c.59_60del, p.Pro20fs (NM_005914.4); short protein forms P20fs.
Identifiers: ClinVar variation 3723539 (VCV003723539.2).